The following is an entry in ClinVar:

ClinVar aggregate classification (germline): Uncertain significance. Review status: criteria provided, multiple submitters, no conflicts (2 of 4 stars). 3 submissions from 3 submitters: Uncertain significance (3). Last evaluated 2026-09-14.

Conditions:
Cardiovascular phenotype. Identifiers: MedGen CN230736.
Arrhythmogenic cardiomyopathy with wooly hair and keratoderma. Also called: Arrhythmogenic cardiomyopathy with woolly hair and keratoderma; PALMOPLANTAR KERATODERMA WITH LEFT VENTRICULAR CARDIOMYOPATHY AND WOOLLY HAIR; Carvajal syndrome; Dilated cardiomyopathy with woolly hair and keratoderma. Identifiers: Orphanet 65282, MedGen C1854063, MONDO:0011581, OMIM 605676.
Arrhythmogenic right ventricular dysplasia 8 (ARVD8). Also called: Arrhythmogenic Right Ventricular Dysplasia/Cardiomyopathy 8; ARRHYTHMOGENIC RIGHT VENTRICULAR DYSPLASIA, FAMILIAL, 8; ARRHYTHMOGENIC RIGHT VENTRICULAR CARDIOMYOPATHY 8. Identifiers: MedGen C1843896, MONDO:0011831, OMIM 607450.
Cardiomyopathy (CMYO). Also called: Cardiomyopathies. Identifiers: Orphanet 167848, MedGen C0878544, MONDO:0004994, HP:0001638. Inheritance: Various modes of inheritance.

Allele frequency attached by ClinVar (database versions not stated): gnomAD exomes 0.00001; TOPMed below 0.00001.
gnomAD v4.1: 18 of 1,613,986 alleles (0.0011%); highest among the groups gnomAD compares: Non-Finnish European, 0.0014%; no homozygotes.

Submissions (3):

Ambry Genetics
Classification: Uncertain significance for Cardiovascular phenotype. Last evaluated: 2026-09-14. Review status: criteria provided, single submitter. Criteria: Ambry Variant Classification Scheme 2023. Collection method: clinical testing. Allele origin: germline.
Comment: The p.M554V variant (also known as c.1660A>G), located in coding exon 13 of the DSP gene, results from an A to G substitution at nucleotide position 1660. The methionine at codon 554 is replaced by valine, an amino acid with highly similar properties. This amino acid position is conserved. In addition, this alteration is predicted to be tolerated by in silico analysis. Based on the available evidence, the clinical significance of this variant remains unclear.

Color Diagnostics, LLC DBA Color Health
Classification: Uncertain significance for Cardiomyopathy. Last evaluated: 2025-08-26. Review status: criteria provided, single submitter. Criteria: ACMG Guidelines, 2015. Collection method: clinical testing. Allele origin: germline.
Comment: This missense variant replaces methionine with valine at codon 554 of the DSP protein. Computational prediction suggests that this variant may not impact protein structure and function. To our knowledge, functional studies have not been reported for this variant. This variant has not been reported in individuals affected with DSP-related disorders in the literature. This variant has been identified in 1/251312 chromosomes in the general population by the Genome Aggregation Database (gnomAD). The available evidence is insufficient to determine the role of this variant in disease conclusively. Therefore, this variant is classified as a Variant of Uncertain Significance.

Labcorp Genetics (formerly Invitae), Labcorp
Classification: Uncertain significance for Arrhythmogenic cardiomyopathy with wooly hair and keratoderma; Arrhythmogenic right ventricular dysplasia 8. Last evaluated: 2022-02-22. Review status: criteria provided, single submitter. Criteria: Invitae Variant Classification Sherloc (09022015). Collection method: clinical testing. Allele origin: germline.
Comment: Algorithms developed to predict the effect of missense changes on protein structure and function (SIFT, PolyPhen-2, Align-GVGD) all suggest that this variant is likely to be tolerated. In summary, the available evidence is currently insufficient to determine the role of this variant in disease. Therefore, it has been classified as a Variant of Uncertain Significance. This variant has not been reported in the literature in individuals affected with DSP-related conditions. This variant is present in population databases (no rsID available, gnomAD 0.0009%). This sequence change replaces methionine, which is neutral and non-polar, with valine, which is neutral and non-polar, at codon 554 of the DSP protein (p.Met554Val).

NM_004415.4(DSP):c.1660A>G (p.Met554Val)

Gene: DSP (desmoplakin; plus strand). Cytogenetic location: 6p24.3.
Variant type: single nucleotide variant.
Coding change: c.1660A>G on transcript NM_004415.4 (MANE Select); coding-DNA position 1660, A replaced by G.
Protein change: p.Met554Val; replaces methionine 554 with valine.
Molecular consequence: missense variant.
Genome position (GRCh38, 1-based): chr6:7,570,522, A>G. VCF-style: chr6-7570522-A-G. GRCh37 (hg19) VCF-style: chr6-7570755-A-G.
Other names: c.1660A>G, p.Met554Val (NM_001008844.3, NM_001319034.2); short protein forms M554V.
Identifiers: ClinVar variation 2194090 (VCV002194090.5), dbSNP rs1158606435, ClinGen allele CA362678355.
Genomic context (GRCh38, chr6:7,570,522, plus strand): 5'-TTGGCTCTGTGGAACCAGCTCTACATCAACATGAAGAGCCTGGTGTCCTGGCACTACTGC[A>G]TGATTGACATAGAGAAGATCAGGGCCATGACAATCGCCAAGGTATGTCCTCAGGGCCACT-3'
Protein context (NP_004406.2, residues 544-564): MKSLVSWHYC[Met554Val]IDIEKIRAMT